The following is an entry in ClinVar:

ClinVar aggregate classification (germline): Pathogenic/Likely pathogenic. Review status: criteria provided, multiple submitters, no conflicts (2 of 4 stars). 5 submissions from 5 submitters: Pathogenic (4); Likely pathogenic (1). Last evaluated 2026-06-15.

Conditions:
Inborn genetic diseases. Identifiers: MedGen C0950123, MeSH D030342.
Severe X-linked myotubular myopathy (CNMX). Also called: Myotubular myopathy, X-linked; MYOTUBULAR MYOPATHY 1; X-linked centronuclear myopathy. Identifiers: Orphanet 596, MedGen C0410203, MONDO:0010683, OMIM 310400.

Submissions (5):

Women's Health and Genetics/Laboratory Corporation of America, LabCorp
Classification: Pathogenic for Severe X-linked myotubular myopathy. Last evaluated: 2026-06-15. Review status: criteria provided, single submitter. Criteria: LabCorp Variant Classification Summary - May 2015. Collection method: clinical testing. Allele origin: germline.
Comment: Variant summary: MTM1 c.1132G>A (p.Gly378Arg) results in a non-conservative amino acid change in the encoded protein sequence. Algorithms developed to predict the effect of missense changes on protein structure and function all suggest that this variant is likely to be disruptive. The variant was absent in 182789 control chromosomes. c.1132G>A has been observed in individual(s) affected with Severe X-Linked Myotubular Myopathy. These data indicate that the variant is likely to be associated with disease. The following publications have been ascertained in the context of this evaluation (PMID: 10714588, 28685322, 32528171). ClinVar contains an entry for this variant (Variation ID: 158897). Based on the evidence outlined above, the variant was classified as pathogenic.

Labcorp Genetics (formerly Invitae), Labcorp
Classification: Pathogenic for Severe X-linked myotubular myopathy. Last evaluated: 2025-10-26. Review status: criteria provided, single submitter. Criteria: Invitae Variant Classification Sherloc (09022015). Collection method: clinical testing. Allele origin: germline.
Comment: This sequence change replaces glycine, which is neutral and non-polar, with arginine, which is basic and polar, at codon 378 of the MTM1 protein (p.Gly378Arg). This variant is not present in population databases (gnomAD no frequency). This missense change has been observed in individual(s) with myotubular myopathy (PMID: 8640223, 10714588, 12031625, 28685322). In at least one individual the variant was observed to be de novo. This variant is also known as G1186A, G396R. ClinVar contains an entry for this variant (Variation ID: 158897). Invitae Evidence Modeling of protein sequence and biophysical properties (such as structural, functional, and spatial information, amino acid conservation, physicochemical variation, residue mobility, and thermodynamic stability) indicates that this missense variant is expected to disrupt MTM1 protein function with a positive predictive value of 95%. Experimental studies have shown that this missense change affects MTM1 function (PMID: 10900271, 12118066). For these reasons, this variant has been classified as Pathogenic.

3billion
Classification: Pathogenic for Severe X-linked myotubular myopathy. Last evaluated: 2023-12-08. Review status: criteria provided, single submitter. Criteria: ACMG Guidelines, 2015. Collection method: clinical testing. Allele origin: germline. Affected: yes.
Comment: The variant is not observed in the gnomAD v2.1.1 dataset. Predicted Consequence/Location: Missense variant In silico tool predictions suggest damaging effect of the variant on gene or gene product [REVEL: 0.94 (>=0.6, sensitivity 0.68 and specificity 0.92); 3Cnet: 0.97 (>=0.6, sensitivity 0.72 and precision 0.9)]. Same nucleotide change resulting in same amino acid change has been previously reported as pathogenic/likely pathogenic with strong evidence (ClinVar ID: VCV000158897 /PMID: 8640223). The variant has been observed in multiple (>3) similarly affected unrelated individuals (PMID: 10714588, 12031625, 28685322, 8640223). Different missense changes at the same codon (p.Gly378Glu, p.Gly378Val) have been reported to be associated with MTM1 related disorder (ClinVar ID: VCV001028156 /PMID: 10063835). Therefore, this variant is classified as Pathogenic according to the recommendation of ACMG/AMP guideline.

Ambry Genetics
Classification: Likely pathogenic for Inborn genetic diseases. Last evaluated: 2018-04-10. Review status: criteria provided, single submitter. Criteria: Ambry exome assertion method (8-5-2015). Collection method: clinical testing. Allele origin: germline. Affected: yes. Observed: 1 variant allele.

Genetic Services Laboratory, University of Chicago
Classification: Pathogenic for Myotubular myopathy, X-linked. Last evaluated: 2013-02-08. Review status: criteria provided, single submitter. Criteria: ACMG Guidelines, 2007. Collection method: clinical testing. Allele origin: germline. Inheritance: X-linked inheritance. Affected: yes.

Literature cited by the submitters: PubMed 32528171 (cited by Women's Health and Genetics/Laboratory Corporation of America, LabCorp); PubMed 28685322 (cited by 3 submitters); PubMed 10714588 (cited by 4 submitters); PubMed 8640223 (cited by 3 submitters); PubMed 12031625 (cited by Labcorp Genetics (formerly Invitae), Labcorp and 3billion); PubMed 10900271 (cited by Labcorp Genetics (formerly Invitae), Labcorp and Ambry Genetics); PubMed 12118066 (cited by Labcorp Genetics (formerly Invitae), Labcorp); PubMed 10063835 (cited by 3billion); PubMed 11793470 (cited by Ambry Genetics); PubMed 2352255 (cited by Ambry Genetics); PubMed 10502779 (cited by Ambry Genetics); PubMed 17537630 (cited by Ambry Genetics).

NM_000252.3(MTM1):c.1132G>A (p.Gly378Arg)

Gene: MTM1 (myotubularin 1; plus strand). Cytogenetic location: Xq28.
Variant type: single nucleotide variant.
Coding change: c.1132G>A on transcript NM_000252.3 (MANE Select); coding-DNA position 1132, G replaced by A.
Protein change: p.Gly378Arg; replaces glycine 378 with arginine.
Molecular consequence: missense variant.
Genome position (GRCh38, 1-based): chrX:150,657,899, G>A. VCF-style: chrX-150657899-G-A. GRCh37 (hg19) VCF-style: chrX-149826372-G-A.
Other names: c.1132G>A, p.Gly378Arg (NM_001376906.1, NM_001376908.1); c.1021G>A, p.Gly341Arg (NM_001376907.1); short protein forms G378R, G341R.
Identifiers: ClinVar variation 158897 (VCV000158897.20), dbSNP rs587783755, ClinGen allele CA271733.